The following is an entry in ClinVar:

ClinVar aggregate classification (germline): Likely benign (0 of 4 stars; one submission).

Conditions:
TBX4-related disorder. Also called: TBX4-related disorders; TBX4-related condition.

Allele frequency attached by ClinVar (database versions not stated): 1000 Genomes Project 30x 0.00141; 1000 Genomes Project 0.00080; gnomAD 0.00130.
gnomAD v4.1: 194 of 152,242 alleles (0.13%); highest among the groups gnomAD compares: African/African-American, 0.46%; 1 homozygote.

Submission:

PreventionGenetics, part of Exact Sciences
Classification: Likely benign for TBX4-related condition. Last evaluated: 2023-06-14. Review status: no assertion criteria provided. Collection method: clinical testing. Allele origin: germline.
Comment: This variant is classified as likely benign based on ACMG/AMP sequence variant interpretation guidelines (Richards et al. 2015 PMID: 25741868, with internal and published modifications).

NM_001321120.2(TBX4):c.-3-587C>G

Gene: TBX4 (T-box transcription factor 4; plus strand). Cytogenetic location: 17q23.2.
Variant type: single nucleotide variant.
Coding change: c.-3-587C>G on transcript NM_001321120.2 (MANE Select); 587 bases into the intron before 3 bases upstream of the start codon, C replaced by G.
Molecular consequence: intron variant.
Genome position (GRCh38, 1-based): chr17:61,455,901, C>G. VCF-style: chr17-61455901-C-G. GRCh37 (hg19) VCF-style: chr17-59533262-C-G.
Identifiers: ClinVar variation 3051807 (VCV003051807.2), dbSNP rs574052641, ClinGen allele CA292260269.